The following is an entry in ClinVar:

NM_001278716.2(FBXL4):c.601C>T (p.Pro201Ser)

Gene: FBXL4 (F-box and leucine rich repeat protein 4; minus strand). Cytogenetic location: 6q16.2.
Variant type: single nucleotide variant.
Coding change: c.601C>T on transcript NM_001278716.2 (MANE Select); coding-DNA position 601, C replaced by T.
Protein change: p.Pro201Ser; replaces proline 201 with serine.
Molecular consequence: missense variant.
Genome position (GRCh38, 1-based): chr6:98,917,631, G>A on the plus strand (C>T on the coding strand, the complement: FBXL4 is on the minus strand). VCF-style: chr6-98917631-G-A. GRCh37 (hg19) VCF-style: chr6-99365507-G-A.
Other names: c.601C>T, p.Pro201Ser (NM_012160.5); short protein forms P201S.
Identifiers: ClinVar variation 437604 (VCV000437604.5), dbSNP rs746878388, ClinGen allele CA3933649.

ClinVar aggregate classification (germline): Uncertain significance. Review status: criteria provided, multiple submitters, no conflicts (2 of 4 stars). 2 submissions from 2 submitters: Uncertain significance (2). Last evaluated 2022-03-13.

Conditions:
Mitochondrial DNA depletion syndrome 13. Also called: FBXL4-Related Encephalomyopathic Mitochondrial DNA Depletion Syndrome; Mitochondrial DNA depletion syndrome 13 (encephalomyopathic type). Identifiers: Orphanet 369897, MedGen C3809592, MONDO:0014198, OMIM 615471.

Allele frequency attached by ClinVar (database versions not stated): gnomAD exomes below 0.00001; ExAC 0.00001.
gnomAD v4.1: 1 of 1,613,888 alleles (0.000062%); highest among the groups gnomAD compares: Non-Finnish European, 0.000085%; no homozygotes.

Submissions (2):

Labcorp Genetics (formerly Invitae), Labcorp
Classification: Uncertain significance. Last evaluated: 2022-03-13. Review status: criteria provided, single submitter. Criteria: Invitae Variant Classification Sherloc (09022015). Collection method: clinical testing. Allele origin: germline.
Comment: This sequence change replaces proline, which is neutral and non-polar, with serine, which is neutral and polar, at codon 201 of the FBXL4 protein (p.Pro201Ser). This variant is present in population databases (rs746878388, gnomAD 0.0009%). This variant has not been reported in the literature in individuals affected with FBXL4-related conditions. ClinVar contains an entry for this variant (Variation ID: 437604). Advanced modeling of protein sequence and biophysical properties (such as structural, functional, and spatial information, amino acid conservation, physicochemical variation, residue mobility, and thermodynamic stability) performed at Invitae indicates that this missense variant is expected to disrupt FBXL4 protein function. In summary, the available evidence is currently insufficient to determine the role of this variant in disease. Therefore, it has been classified as a Variant of Uncertain Significance.

Wong Mito Lab, Molecular and Human Genetics, Baylor College of Medicine
Classification: Uncertain significance for Mitochondrial DNA depletion syndrome 13. Last evaluated: 2017-08-10. Review status: criteria provided, single submitter. Criteria: ACMG Guidelines, 2015. Collection method: reference population. Allele origin: germline.
Comment: The NM_012160.4:c.601C>T (NP_036292.2:p.Pro201Ser) [GRCH38: NC_000006.12:g.98917631G>A] variant in FBXL4 gene is interpretated to be a Uncertain Significance - Conflicting Evidence based on ACMG guidelines (PMID: 25741868). This variant meets one or more of the following evidence codes reported in the ACMG-guideline. PM2:This variant is absent in key population databases. BP4:Computational evidence/predictors indicate no impact on the FBXL4 structure, function, or protein-protein interaction. Based on this evidence code ClinGen Pathogenicity Calculator (PMID:28081714) suggested that the variant is Uncertain Significance - Conflicting Evidence.